The following is an entry in ClinVar:

ClinVar aggregate classification (germline): Pathogenic/Likely pathogenic. Review status: criteria provided, multiple submitters, no conflicts (2 of 4 stars). 3 submissions from 3 submitters: Pathogenic (1); Likely pathogenic (1). 1 of the submissions does not count toward it. Last evaluated 2023-10-15.

Conditions:
Galactosylceramide beta-galactosidase deficiency. Also called: Leukodystrophy, Globoid Cell; GALACTOCEREBROSIDASE DEFICIENCY; GALC DEFICIENCY; GLOBOID CELL LEUKOENCEPHALOPATHY; Krabbe Disease. Identifiers: Orphanet 487, MedGen C0023521, MONDO:0009499, OMIM 245200.

Submissions (3):

Labcorp Genetics (formerly Invitae), Labcorp
Classification: Pathogenic for Galactosylceramide beta-galactosidase deficiency. Last evaluated: 2023-10-15. Review status: criteria provided, single submitter. Criteria: Invitae Variant Classification Sherloc (09022015). Collection method: clinical testing. Allele origin: germline.
Comment: This sequence change creates a premature translational stop signal (p.Leu157Glyfs*15) in the GALC gene. It is expected to result in an absent or disrupted protein product. Loss-of-function variants in GALC are known to be pathogenic (PMID: 7437911, 9272171, 16607461). This variant is not present in population databases (gnomAD no frequency). This variant has not been reported in the literature in individuals affected with GALC-related conditions. ClinVar contains an entry for this variant (Variation ID: 371327). For these reasons, this variant has been classified as Pathogenic.

Juno Genomics, Hangzhou Juno Genomics, Inc
Classification: Likely pathogenic for Galactosylceramide beta-galactosidase deficiency. Review status: criteria provided, single submitter. Criteria: ACMG Guidelines, 2015. Collection method: clinical testing. Allele origin: germline.
Comment: Null variant in a gene where loss of function (LOF) is a known mechanism of disease.;Absent from controls (or at extremely low frequency if recessive) in Genome Aggregation Database.

Counsyl
Classification: Likely pathogenic for Galactosylceramide beta-galactosidase deficiency. Last evaluated: 2016-08-29. Review status: no assertion criteria provided. Collection method: clinical testing. Allele origin: unknown. Not counted in ClinVar's aggregate classification.

Literature cited by the submitters: PubMed 7437911 (cited by Labcorp Genetics (formerly Invitae), Labcorp); PubMed 9272171 (cited by Labcorp Genetics (formerly Invitae), Labcorp); PubMed 16607461 (cited by Labcorp Genetics (formerly Invitae), Labcorp).

NM_000153.4(GALC):c.467_468dup (p.Leu157fs)

Gene: GALC (galactosylceramidase; minus strand). Cytogenetic location: 14q31.3.
Variant type: Duplication.
Coding change: c.467_468dup on transcript NM_000153.4 (MANE Select); coding-DNA positions 467 to 468, 2 bases duplicated (GG; older notation c.467_468dupGG).
Protein change: p.Leu157fs; shifts the reading frame from leucine 157.
Molecular consequence: frameshift variant.
Genome position (GRCh38, 1-based): chr14:87,984,508-87,984,509, CC duplicated on the plus strand (GG on the coding strand, the reverse complement: GALC is on the minus strand). VCF-style (leftmost placement, unchanged base first): chr14-87984507-G-GCC. GRCh37 (hg19) VCF-style: chr14-88450851-G-GCC.
Other names: c.398_399dup, p.Leu134fs (NM_001201401.2); c.389_390dup, p.Leu131fs (NM_001201402.2); short protein forms L157fs, L131fs, L134fs.
Identifiers: ClinVar variation 371327 (VCV000371327.10), dbSNP rs1057517185, ClinGen allele CA16041703.